The following is an entry in ClinVar:

ClinVar aggregate classification (germline): Uncertain significance. Review status: criteria provided, multiple submitters, no conflicts (2 of 4 stars). 4 submissions from 4 submitters: Uncertain significance (4). Last evaluated 2026-07-01.

Conditions:
RYR1-related disorder. Also called: RYR1-related condition; RYR1-related disorders. Identifiers: MedGen CN239331.
Inborn genetic diseases. Identifiers: MedGen C0950123, MeSH D030342.
Malignant hyperthermia, susceptibility to, 1 (MHS1). Also called: Malignant hyperthermia suceptibility 1; Anesthesia related hyperthermia; Malignant hyperpyrexia; Fulminating hyperpyrexia; Pharmacogenic myopathy; RYR1-Related Malignant Hyperthermia Susceptibility. Identifiers: Orphanet 423, MedGen C2930980, MONDO:0007783, OMIM 145600.
Congenital multicore myopathy with external ophthalmoplegia (CMYO1B). Also called: Minicore myopathy with external ophthalmoplegia; MULTIMINICORE DISEASE WITH EXTERNAL OPHTHALMOPLEGIA; MULTICORE MYOPATHY; Congenital myopathy 1B, autosomal recessive; Minicore myopathy. Identifiers: Orphanet 598, Orphanet 98905, MedGen C1850674, MONDO:0009712, OMIM 255320, HP:0003789.
Congenital myopathy with fiber type disproportion. Also called: Congenital fiber-type disproportion myopathy; Congenital fiber-type disproportion. Identifiers: Orphanet 2020, MedGen C0546264, MONDO:0009711. Inheritance: all.
King Denborough syndrome (KDS). Identifiers: MedGen C1840365, MONDO:0020485, OMIM 619542.
Central core myopathy (CMYO1A). Also called: Central core disease; Myopathy, central fibrillar; CONGENITAL MYOPATHY 1A, AUTOSOMAL DOMINANT, WITH SUSCEPTIBILITY TO MALIGNANT HYPERTHERMIA. Identifiers: Orphanet 597, MedGen C5830701, MONDO:0007294, OMIM 117000.

Allele frequency attached by ClinVar (database versions not stated): ExAC 0.00001; gnomAD 0.00001; gnomAD exomes 0.00001 and below 0.00001; TOPMed 0.00001.
gnomAD v4.1: 10 of 1,613,858 alleles (0.00062%); highest among the groups gnomAD compares: Non-Finnish European, 0.00085%; no homozygotes.

Submissions (4):

Ambry Genetics
Classification: Uncertain significance for Inborn genetic diseases. Last evaluated: 2026-07-01. Review status: criteria provided, single submitter. Criteria: Ambry Variant Classification Scheme 2023. Collection method: clinical testing. Allele origin: germline.
Comment: The p.G1128S variant (also known as c.3382G>A) is located in coding exon 26 of the RYR1 gene. The glycine at codon 1128 is replaced by serine, an amino acid with similar properties. This change occurs in the first base pair of coding exon 26. This amino acid position is conserved. In addition, the in silico prediction for this alteration is inconclusive. Based on the available evidence, the clinical significance of this variant remains unclear.

All of Us Research Program, National Institutes of Health
Classification: Uncertain significance for Malignant hyperthermia, susceptibility to, 1. Last evaluated: 2024-02-05. Review status: criteria provided, single submitter. Criteria: ACMG Guidelines, 2015. Collection method: clinical testing. Allele origin: germline. Inheritance: Autosomal dominant inheritance. Observed: 5 variant alleles, 5 heterozygotes.
Comment: This missense variant replaces glycine with serine at codon 1128 of the RYR1 protein. Computational prediction is inconclusive regarding the impact of this variant on protein structure and function (internally defined REVEL score threshold 0.5 < inconclusive < 0.7, PMID: 27666373). To our knowledge, functional studies have not been reported for this variant. This variant has not been reported in individuals affected with RYR1-related disorders in the literature. This variant has been identified in 1/251244 chromosomes in the general population by the Genome Aggregation Database (gnomAD). The available evidence is insufficient to determine the role of this variant in disease conclusively. Therefore, this variant is classified as a Variant of Uncertain Significance.

This study involves interpretation of variants in research participants for the purpose of population health screening. Participant phenotype was not available at the time of variant classification. Additional details can be found in publication PMID: 35346344, PMCID: PMC8962531

Labcorp Genetics (formerly Invitae), Labcorp
Classification: Uncertain significance for RYR1-related disorder. Last evaluated: 2021-09-01. Review status: criteria provided, single submitter. Criteria: Invitae Variant Classification Sherloc (09022015). Collection method: clinical testing. Allele origin: germline.
Comment: This sequence change replaces glycine with serine at codon 1128 of the RYR1 protein (p.Gly1128Ser). The glycine residue is highly conserved and there is a small physicochemical difference between glycine and serine. This variant is present in population databases (rs773310568, ExAC 0.002%). This variant has not been reported in the literature in individuals affected with RYR1-related conditions. Algorithms developed to predict the effect of missense changes on protein structure and function are either unavailable or do not agree on the potential impact of this missense change (SIFT: "Deleterious"; PolyPhen-2: "Possibly Damaging"; Align-GVGD: "Class C0"). In summary, the available evidence is currently insufficient to determine the role of this variant in disease. Therefore, it has been classified as a Variant of Uncertain Significance.

Fulgent Genetics
Classification: Uncertain significance for Central core myopathy; Malignant hyperthermia, susceptibility to, 1; Congenital myopathy 4A, autosomal dominant; Congenital multicore myopathy with external ophthalmoplegia; King Denborough syndrome. Last evaluated: 2021-07-14. Review status: criteria provided, single submitter. Criteria: ACMG Guidelines, 2015. Collection method: clinical testing. Allele origin: unknown.

NM_000540.3(RYR1):c.3382G>A (p.Gly1128Ser)

Gene: RYR1 (ryanodine receptor 1; plus strand). Cytogenetic location: 19q13.2.
Variant type: single nucleotide variant.
Coding change: c.3382G>A on transcript NM_000540.3 (MANE Select); coding-DNA position 3382, G replaced by A.
Protein change: p.Gly1128Ser; replaces glycine 1128 with serine.
Molecular consequence: missense variant.
Genome position (GRCh38, 1-based): chr19:38,468,966, G>A. VCF-style: chr19-38468966-G-A. GRCh37 (hg19) VCF-style: chr19-38959606-G-A.
Other names: c.3382G>A, p.Gly1128Ser (NM_001042723.2); short protein forms G1128S.
Identifiers: ClinVar variation 837233 (VCV000837233.10), dbSNP rs773310568, ClinGen allele CA064786.